The following is an entry in ClinVar:

NM_000051.4(ATM):c.331+2800A>G

Gene: ATM (ATM serine/threonine kinase; plus strand). Cytogenetic location: 11q22.3.
Variant type: single nucleotide variant.
Coding change: c.331+2800A>G on transcript NM_000051.4 (MANE Select); 2800 bases into the intron after coding-DNA position 331, A replaced by G.
Molecular consequence: intron variant.
Genome position (GRCh38, 1-based): chr11:108,232,123, A>G. VCF-style: chr11-108232123-A-G. GRCh37 (hg19) VCF-style: chr11-108102850-A-G.
Other names: c.331+2800A>G (NM_001351834.2).
Identifiers: ClinVar variation 1730083 (VCV001730083.16), dbSNP rs2079044065, ClinGen allele CA942018765.

ClinVar aggregate classification (germline): Conflicting classifications of pathogenicity. Review status: criteria provided, conflicting classifications (1 of 4 stars). 2 submissions from 2 submitters: Likely pathogenic (1); Uncertain significance (1). Last evaluated 2024-12-01.

Conditions:
Hereditary cancer-predisposing syndrome. Also called: Hereditary neoplastic syndrome; Tumor predisposition; Neoplastic Syndromes, Hereditary; Hereditary Cancer Syndrome. Identifiers: Orphanet 140162, MedGen C0027672, MeSH D009386, MONDO:0015356.

Allele frequency attached by ClinVar (database versions not stated): TOPMed below 0.00001; gnomAD 0.00001; 1000 Genomes Project 30x 0.00016.
gnomAD v4.1: 2 of 152,382 alleles (0.0013%); highest among the groups gnomAD compares: Non-Finnish European, 0.0029%; no homozygotes.

Submissions (2):

CeGaT Center for Human Genetics Tuebingen
Classification: Uncertain significance. Last evaluated: 2024-12-01. Review status: criteria provided, single submitter. Criteria: CeGaT Center For Human Genetics Tuebingen Variant Classification Criteria Version 2. Collection method: clinical testing. Allele origin: germline. Affected: yes. Observed: 1 variant allele.
Comment: ATM: PM2

Ambry Genetics
Classification: Likely pathogenic for Hereditary cancer-predisposing syndrome. Last evaluated: 2024-11-29. Review status: criteria provided, single submitter. Criteria: Ambry Variant Classification Scheme 2023. Collection method: clinical testing. Allele origin: germline.
Comment: The c.331+2800A>G intronic variant results from an A to G substitution 2800 nucleotides after coding exon 3 in the ATM gene. This nucleotide position is highly conserved in available vertebrate species. In silico splice site analysis predicts that this alteration will result in the creation or strengthening of a novel splice acceptor site. RNA studies have demonstrated that this alteration results in abnormal splicing in the set of samples tested (Ambry internal data). This variant is considered to be rare based on population cohorts in the Genome Aggregation Database (gnomAD). Based on the majority of available evidence to date, this variant is likely to be pathogenic.